The following is an entry in ClinVar:

ClinVar aggregate classification (germline): Uncertain significance (1 of 4 stars; one submission).

Allele frequency attached by ClinVar (database versions not stated): gnomAD exomes 0.00001.
gnomAD v4.1: 9 of 1,614,128 alleles (0.00056%); highest among the groups gnomAD compares: Non-Finnish European, 0.00076%; no homozygotes.

Submission:

Labcorp Genetics (formerly Invitae), Labcorp
Classification: Uncertain significance. Last evaluated: 2022-12-01. Review status: criteria provided, single submitter. Criteria: Invitae Variant Classification Sherloc (09022015). Collection method: clinical testing. Allele origin: germline.
Comment: In summary, the available evidence is currently insufficient to determine the role of this variant in disease. Therefore, it has been classified as a Variant of Uncertain Significance. Advanced modeling of protein sequence and biophysical properties (such as structural, functional, and spatial information, amino acid conservation, physicochemical variation, residue mobility, and thermodynamic stability) performed at Invitae indicates that this missense variant is expected to disrupt MYO5A protein function. This variant has not been reported in the literature in individuals affected with MYO5A-related conditions. The frequency data for this variant in the population databases is considered unreliable, as metrics indicate poor data quality at this position in the gnomAD database. This sequence change replaces glycine, which is neutral and non-polar, with serine, which is neutral and polar, at codon 696 of the MYO5A protein (p.Gly696Ser).

NM_001382347.1(MYO5A):c.2086G>A (p.Gly696Ser)

Gene: MYO5A (myosin VA; minus strand). Cytogenetic location: 15q21.2.
Variant type: single nucleotide variant.
Coding change: c.2086G>A on transcript NM_001382347.1 (MANE Select); coding-DNA position 2086, G replaced by A.
Protein change: p.Gly696Ser; replaces glycine 696 with serine.
Molecular consequence: missense variant.
Genome position (GRCh38, 1-based): chr15:52,379,835, C>T on the plus strand (G>A on the coding strand, the complement: MYO5A is on the minus strand). VCF-style: chr15-52379835-C-T. GRCh37 (hg19) VCF-style: chr15-52672032-C-T.
Other names: c.2086G>A, p.Gly696Ser (NM_000259.3, NM_001142495.2, NM_001411135.1); c.2158G>A, p.Gly720Ser (NM_001382348.1, NM_001382349.1); short protein forms G720S, G696S.
Identifiers: ClinVar variation 2696084 (VCV002696084.3), dbSNP rs1380289478, ClinGen allele CA392522326.
Genomic context (GRCh38, chr15:52,379,835, plus strand): 5'-ATCTTCTCCCATTAGGATCCCTTACATCTGAAAAATGCCAGGCTCACCGTGAGGGGAAAC[C>T]GGCCGCACTGATTCGGATGGTTTCCAGGACACCACATGCTCTCAGCTGCTGCACTGCCCT-3'
Protein context (NP_001369276.1, residues 686-706): VLETIRISAA[Gly696Ser]FPSRWTYQEF